The following is an entry in ClinVar:

NM_002047.4(GARS1):c.2008G>C (p.Val670Leu)

Gene: GARS1 (glycyl-tRNA synthetase 1; plus strand). Cytogenetic location: 7p14.3.
Variant type: single nucleotide variant.
Coding change: c.2008G>C on transcript NM_002047.4 (MANE Select); coding-DNA position 2008, G replaced by C.
Protein change: p.Val670Leu; replaces valine 670 with leucine.
Molecular consequence: missense variant.
Genome position (GRCh38, 1-based): chr7:30,632,351, G>C. VCF-style: chr7-30632351-G-C. GRCh37 (hg19) VCF-style: chr7-30671967-G-C.
Other names: c.2008G>C (LRG_243t1); c.1846G>C, p.Val616Leu (NM_001316772.1); short protein forms V616L, V670L.
Identifiers: ClinVar variation 641292 (VCV000641292.8), dbSNP rs376585160, ClinGen allele CA4206135.

ClinVar aggregate classification (germline): Uncertain significance (1 of 4 stars; one submission).

Conditions:
Charcot-Marie-Tooth disease type 2. Also called: Charcot-Marie-Tooth type 2. Identifiers: Orphanet 64746, MedGen C0270914, MONDO:0018993.

Allele frequency attached by ClinVar (database versions not stated): TOPMed 0.00001; gnomAD exomes below 0.00001; ExAC 0.00001; gnomAD 0.00001; ESP Exome Variant Server 0.00008.
gnomAD v4.1: 1 of 1,614,042 alleles (0.000062%); highest among the groups gnomAD compares: African/African-American, 0.0013%; no homozygotes.

Submission:

Labcorp Genetics (formerly Invitae), Labcorp
Classification: Uncertain significance for Charcot-Marie-Tooth disease type 2. Last evaluated: 2021-02-25. Review status: criteria provided, single submitter. Criteria: Invitae Variant Classification Sherloc (09022015). Collection method: clinical testing. Allele origin: germline.
Comment: This variant is present in population databases (rs376585160, ExAC 0.01%). In summary, the available evidence is currently insufficient to determine the role of this variant in disease. Therefore, it has been classified as a Variant of Uncertain Significance. Algorithms developed to predict the effect of missense changes on protein structure and function are either unavailable or do not agree on the potential impact of this missense change (SIFT: "Deleterious"; PolyPhen-2: "Benign"; Align-GVGD: "Class C0"). This variant has not been reported in the literature in individuals with GARS-related disease. This sequence change replaces valine with leucine at codon 670 of the GARS protein (p.Val670Leu). The valine residue is weakly conserved and there is a small physicochemical difference between valine and leucine.